The following is an entry in ClinVar:

NM_001008537.3(NEXMIF):c.3641A>G (p.Lys1214Arg)

Gene: NEXMIF (neurite extension and migration factor; minus strand). Cytogenetic location: Xq13.3.
Variant type: single nucleotide variant.
Coding change: c.3641A>G on transcript NM_001008537.3 (MANE Select); coding-DNA position 3641, A replaced by G.
Protein change: p.Lys1214Arg; replaces lysine 1214 with arginine.
Molecular consequence: missense variant.
Genome position (GRCh38, 1-based): chrX:74,740,916, T>C on the plus strand (A>G on the coding strand, the complement: NEXMIF is on the minus strand). VCF-style: chrX-74740916-T-C. GRCh37 (hg19) VCF-style: chrX-73960751-T-C.
Other names: short protein forms K1214R.
Identifiers: ClinVar variation 2856643 (VCV002856643.3), dbSNP rs2519911913, ClinGen allele CA413665107.
Genomic context (GRCh38, chrX:74,740,916, plus strand): 5'-CCATTGATGGCAGCCATGTATTTCCCTTTCTTTGTGGACTTAGGGACCTGGCGGGAGTTT[T>C]TGCCAGGTGGTTTTTCAATCCCCTTGTTGTTACCTTTGAGGGATTTTTTCCTGGTGTTTT-3'
Protein context (NP_001008537.1, residues 1204-1224): NNKGIEKPPG[Lys1214Arg]NSRQVPKSTK

ClinVar aggregate classification (germline): Uncertain significance (1 of 4 stars; one submission).

Submission:

Labcorp Genetics (formerly Invitae), Labcorp
Classification: Uncertain significance. Last evaluated: 2023-04-15. Review status: criteria provided, single submitter. Criteria: Invitae Variant Classification Sherloc (09022015). Collection method: clinical testing. Allele origin: germline.
Comment: In summary, the available evidence is currently insufficient to determine the role of this variant in disease. Therefore, it has been classified as a Variant of Uncertain Significance. An algorithm developed to predict the effect of missense changes on protein structure and function (PolyPhen-2) suggests that this variant is likely to be disruptive. This variant has not been reported in the literature in individuals affected with NEXMIF-related conditions. This variant is not present in population databases (gnomAD no frequency). This sequence change replaces lysine, which is basic and polar, with arginine, which is basic and polar, at codon 1214 of the NEXMIF protein (p.Lys1214Arg).